The following is an entry in ClinVar:

ClinVar aggregate classification (germline): Conflicting classifications of pathogenicity. Review status: criteria provided, conflicting classifications (1 of 4 stars). 2 submissions from 2 submitters: Uncertain significance (1); Likely benign (1). Last evaluated 2023-06-01.

Allele frequency attached by ClinVar (database versions not stated): TOPMed below 0.00001; ExAC 0.00005.
gnomAD v4.1: 43 of 1,609,668 alleles (0.0027%); highest among the groups gnomAD compares: South Asian, 0.045%; 1 homozygote.

Submissions (2):

CeGaT Center for Human Genetics Tuebingen
Classification: Uncertain significance. Last evaluated: 2023-06-01. Review status: criteria provided, single submitter. Criteria: CeGaT Center For Human Genetics Tuebingen Variant Classification Criteria Version 2. Collection method: clinical testing. Allele origin: germline. Affected: yes. Observed: 1 variant allele.
Comment: KMT2B: PM2, BP4

Labcorp Genetics (formerly Invitae), Labcorp
Classification: Likely benign. Last evaluated: 2022-11-08. Review status: criteria provided, single submitter. Criteria: Invitae Variant Classification Sherloc (09022015). Collection method: clinical testing. Allele origin: germline.

NM_014727.3(KMT2B):c.1650C>G (p.Asp550Glu)

Gene: KMT2B (lysine methyltransferase 2B; plus strand). Cytogenetic location: 19q13.12.
Variant type: single nucleotide variant.
Coding change: c.1650C>G on transcript NM_014727.3 (MANE Select); coding-DNA position 1650, C replaced by G.
Protein change: p.Asp550Glu; replaces aspartic acid 550 with glutamic acid.
Molecular consequence: missense variant.
Genome position (GRCh38, 1-based): chr19:35,720,997, C>G. VCF-style: chr19-35720997-C-G. GRCh37 (hg19) VCF-style: chr19-36211899-C-G.
Other names: short protein forms D550E.
Identifiers: ClinVar variation 2078670 (VCV002078670.28), dbSNP rs775276995, ClinGen allele CA9384262.
Genomic context (GRCh38, chr19:35,720,997, plus strand): 5'-TGTGGTGAGTGCCCGCTCCTCCCGTGTCATCAAGACACCCCGGCGATTTATGGATGAAGA[C>G]CCCCCCAAACCCCCAAAGGTGGAGGTCTCACCTGTCCTGCGACCTCCCATTACCACCTCC-3'
Protein context (NP_055542.1, residues 540-560): IKTPRRFMDE[Asp550Glu]PPKPPKVEVS